The following is an entry in ClinVar:

ClinVar aggregate classification (germline): Uncertain significance (0 of 4 stars; one submission).

Conditions:
Prostate cancer. Also called: Malignant tumor of prostate. Identifiers: Orphanet 1331, MedGen C0376358, MONDO:0008315, HP:0012125.

Submission:

Science for Life laboratory,  Karolinska Institutet
Classification: Uncertain significance for Malignant tumor of prostate. Review status: no assertion criteria provided. Collection method: not provided. Allele origin: somatic.
Comment: TumorID:SWE-90B
ClinVar note: Converted during submission from Unknown to Uncertain significance.

NM_181523.3(PIK3R1):c.1939C>A (p.Leu647Ile)

Gene: PIK3R1 (phosphoinositide-3-kinase regulatory subunit 1; plus strand). Cytogenetic location: 5q13.1.
Variant type: single nucleotide variant.
Coding change: c.1939C>A on transcript NM_181523.3 (MANE Select); coding-DNA position 1939, C replaced by A.
Protein change: p.Leu647Ile; replaces leucine 647 with isoleucine.
Molecular consequence: missense variant.
Genome position (GRCh38, 1-based): chr5:68,296,295, C>A. VCF-style: chr5-68296295-C-A. GRCh37 (hg19) VCF-style: chr5-67592123-C-A.
Other names: c.850C>A, p.Leu284Ile (NM_001242466.2); c.1129C>A, p.Leu377Ile (NM_181504.4); c.1039C>A, p.Leu347Ile (NM_181524.2); short protein forms L377I, L647I, L347I, L284I.
Identifiers: ClinVar variation 161844 (VCV000161844.2), dbSNP rs193921079, ClinGen allele CA174893.
Genomic context (GRCh38, chr5:68,296,295, plus strand): 5'-GGAAGCAGCAACCGAAACAAAGCTGAAAACCTGTTGCGAGGGAAGCGAGATGGCACTTTT[C>A]TTGTCCGGGAGAGCAGTAAACAGGGCTGCTATGCCTGCTCTGTAGTGTATGTATCTCCAG-3'
Protein context (NP_852664.1, residues 637-657): LLRGKRDGTF[Leu647Ile]VRESSKQGCY